The following is an entry in ClinVar:

ClinVar aggregate classification (germline): Pathogenic/Likely pathogenic. Review status: criteria provided, multiple submitters, no conflicts (2 of 4 stars). 2 submissions from 2 submitters: Pathogenic (1); Likely pathogenic (1). Last evaluated 2025-07-03.

Conditions:
Odonto-onycho-dermal dysplasia. Identifiers: Orphanet 2721, MedGen C0796093, MONDO:0009773, OMIM 257980.
Tooth agenesis, selective, 4 (STHAG4). Also called: LATERAL INCISORS, ABSENCE OF; LATERAL INCISORS, PEGGED OR MISSING; TOOTH AGENESIS, SELECTIVE, 4, WITH OR WITHOUT ECTODERMAL DYSPLASIA; SUCCEDANEOUS TEETH, AGENESIS OF. Identifiers: Orphanet 99798, MedGen C1835492, MONDO:0007881, OMIM 150400. Disease mechanism: loss of function.
Schöpf-Schulz-Passarge syndrome. Also called: ECCRINE TUMORS WITH ECTODERMAL DYSPLASIA; KERATOSIS PALMOPLANTARIS WITH CYSTIC EYELIDS, HYPODONTIA, AND HYPOTRICHOSIS; SchC6pf-Schulz-Passarge syndrome. Identifiers: Orphanet 50944, MedGen C1857069, MONDO:0009145, OMIM 224750.

Submissions (2):

Labcorp Genetics (formerly Invitae), Labcorp
Classification: Likely pathogenic for Tooth agenesis, selective, 4; Odonto-onycho-dermal dysplasia. Last evaluated: 2025-07-03. Review status: criteria provided, single submitter. Criteria: Invitae Variant Classification Sherloc (09022015). Collection method: clinical testing. Allele origin: germline.
Comment: This sequence change is expected to alter the c-terminus of the WNT10A protein (p.Ile409Argfs*17). While this is not anticipated to result in nonsense mediated decay, it is expected to disrupt the last 9 amino acid(s) of the WNT10A protein and extend the protein by 7 additional amino acid residues. This variant is not present in population databases (gnomAD no frequency). This frameshift has been observed in individual(s) with clinical features of autosomal recessive WNT10A-related conditions (PMID: 23401279; internal data). In at least one individual the data is consistent with being in trans (on the opposite chromosome) from a pathogenic variant. ClinVar contains an entry for this variant (Variation ID: 3585674). Experimental studies and prediction algorithms are not available or were not evaluated, and the functional significance of this variant is currently unknown. In summary, the currently available evidence indicates that the variant is pathogenic, but additional data are needed to prove that conclusively. Therefore, this variant has been classified as Likely Pathogenic.

Fulgent Genetics
Classification: Pathogenic for Tooth agenesis, selective, 4; Schöpf-Schulz-Passarge syndrome; Odonto-onycho-dermal dysplasia. Last evaluated: 2024-01-05. Review status: criteria provided, single submitter. Criteria: ACMG Guidelines, 2015. Collection method: clinical testing. Allele origin: germline.

Literature cited by the submitters: PubMed 23401279 (cited by Labcorp Genetics (formerly Invitae), Labcorp).

NM_025216.3(WNT10A):c.1226_1230del (p.Ile409fs)

Gene: WNT10A (Wnt family member 10A; plus strand). Cytogenetic location: 2q35.
Variant type: Deletion.
Coding change: c.1226_1230del on transcript NM_025216.3 (MANE Select); coding-DNA positions 1226 to 1230, 5 bases deleted (TCACC; older notation c.1226_1230delTCACC).
Protein change: p.Ile409fs; shifts the reading frame from isoleucine 409.
Molecular consequence: frameshift variant.
Genome position (GRCh38, 1-based): chr2:218,893,243-218,893,247, TCACC deleted. VCF-style (leftmost placement, unchanged base first): chr2-218893242-ATCACC-A. GRCh37 (hg19) VCF-style: chr2-219757964-ATCACC-A.
Other names: short protein forms I409fs.
Identifiers: ClinVar variation 3585674 (VCV003585674.2).